The following is an entry in ClinVar:

ClinVar aggregate classification (germline): Likely pathogenic. Review status: reviewed by expert panel (3 of 4 stars). 7 submissions from 7 submitters: Likely pathogenic (1). 6 of the submissions do not count toward it. Last evaluated 2026-04-08.

Conditions:
HBA2-related alpha thalassemia spectrum. Identifiers: MedGen CN377749, MONDO:0100562.
Hemoglobin H disease (HBH). Also called: ALPHA-THALASSEMIA, HEMOGLOBIN H TYPE; HEMOGLOBIN H DISEASE, DELETIONAL; Hemoglobin H (HbH) Disease. Identifiers: Orphanet 93616, MedGen C3161174, MONDO:0013512, OMIM 613978. Disease mechanism: loss of function.
alpha Thalassemia. Also called: Alpha thalassemia spectrum. Identifiers: Orphanet 846, MedGen C0002312, MONDO:0011399, OMIM 604131.
Heinz body anemia. Also called: Heinz body hemolytic anemia. Identifiers: Orphanet 178330, MedGen C0700299, MONDO:0007705, OMIM 140700, HP:0005511.
Erythrocytosis, familial, 7. Also called: ERYTHROCYTOSIS, ALPHA-GLOBIN TYPE; POLYCYTHEMIA, ALPHA-GLOBIN TYPE; ERYTHROCYTOSIS 7. Identifiers: MedGen C4693823, MONDO:0054802, OMIM 617981.
HEMOGLOBIN PLASENCIA.

Allele frequency attached by ClinVar (database versions not stated): 1000 Genomes Project 30x 0.00016; gnomAD 0.00001; TOPMed 0.00002.
gnomAD v4.1: 5 of 1,607,758 alleles (0.00031%); highest among the groups gnomAD compares: Admixed American, 0.005%; 1 homozygote.

Submissions (7):

ClinGen Hemoglobinopathy Variant Curation Expert Panel, ClinGen
Classification: Likely pathogenic for HBA2-related alpha thalassemia spectrum. Last evaluated: 2026-04-08. Review status: reviewed by expert panel. Criteria: ClinGen Hb Opathy ACMG Specifications HBA2 V1.0.0. Collection method: curation. Allele origin: germline. Inheritance: Autosomal recessive inheritance.
Comment: The NM_000517.6(HBA2):c.377T>G variant in HBA2 is a missense variant predicted to cause substitution of leucine by arginine at amino acid 125 (p.Leu126Arg). This variant has been reported in at least 8 unrelated individuals with an α-thalassaemia trait phenotype (low MCV and MCH with normal/increased RBC count) [PS4_M; PMID:15921163;23368878; The Hemoglobinopathies Laboratory, Department of Human and Clinical Genetics, Leiden University Medical Center; Molecular Genetics Laboratory, Hamilton Regional Laboratory Medicine Program, Hamilton Health Sciences]. It has also been detected in two homozygous individuals with moderate anemia, microcytosis and hypochromia, with one requiring transfusion therapy. Total PM3 points are 1 [PM3; PMID: 21077766; Molecular Genetics Laboratory, Hamilton Regional Laboratory Medicine Program, Hamilton Health Sciences]. The computational predictor REVEL (score 0.843; VCEP threshold >0.8) suggests that this variant impacts HBA2 function [PP3]. There is no detection of abnormal Hb protein and globin chain by electrophoretic techniques (e.g., IEF, electrophoresis on citrate agar and ion exchange HPLC) and reversed-phase HPLC, respectively, while the isopropanol precipitation test for Hb stability is negative. The minor allele frequency in gnomAD v4.1 is 0.0000031 (5/1607758 alleles), which is lower than the ClinGen Hemoglobinopathy VCEP threshold (<0.0001) for PM2_Supporting, and therefore meets this criterion [PM2_P]. In summary, this variant meets the criteria to be classified as a likely pathogenic variant for recessive HBA2-related alpha thalassemia spectrum (MONDO:0100562) based on the ACMG/AMP criteria applied, as specified by the ClinGen Hemoglobinopathy VCEP (specification version 1.0.0): PS4_M, PM3, PP3, PM2_P.

Natera, Inc.
Classification: Likely pathogenic for Alpha thalassemia. Last evaluated: 2025-10-16. Review status: criteria provided, single submitter. Criteria: Natera Variant Classification Schema (03/2026). Collection method: clinical testing. Allele origin: germline. Not counted in ClinVar's aggregate classification.
Comment: The c.377T>G variant in HBA2 is a missense variant predicted to cause substitution of leucine to arginine at amino acid 126. This variant is rare in the general population with a frequency below the threshold expected for the associated phenotype(s). This variant has been observed in one or more individuals affected with the associated recessive disease, as either homozygous or compound heterozygous with a second variant (PMID: 21077766). A different variant at the same position has been determined to be Pathogenic or Likely Pathogenic. Computational prediction algorithms indicate this variant is likely to affect gene or protein function. Given the available evidence, this variant is classified as Likely Pathogenic.

3billion
Classification: Likely pathogenic for alpha Thalassemia. Last evaluated: 2025-06-25. Review status: criteria provided, single submitter. Criteria: ACMG Guidelines, 2015. Collection method: clinical testing. Allele origin: germline. Affected: yes. Not counted in ClinVar's aggregate classification.
Comment: The variant is observed at an extremely low frequency in the gnomAD v4.1.0 dataset (total allele frequency: <0.001%). Predicted Consequence/Location: Missense variant In silico tool predictions suggest damaging effect of the variant on gene or gene product [REVEL: 0.84 (>=0.6, sensitivity 0.68 and specificity 0.92)]. The same nucleotide change resulting in the same amino acid change has been previously reported as pathogenic/likely pathogenic with strong evidence (ClinVar ID: VCV000015690 /PMID: 15921163). Different missense changes at the same codon (p.Leu126Gln, p.Leu126Pro) have been reported as pathogenic/likely pathogenic with strong evidence (ClinVar ID: VCV000015630, VCV000869221 /PMID: 20854117, 7070526). Therefore, this variant is classified as Likely pathogenic according to the recommendation of ACMG/AMP guideline.

Quest Diagnostics Nichols Institute San Juan Capistrano
Classification: Pathogenic. Last evaluated: 2024-09-29. Review status: criteria provided, single submitter. Criteria: Quest Diagnostics criteria. Collection method: clinical testing. Allele origin: unknown. Not counted in ClinVar's aggregate classification.
Comment: The HBA2 c.377T>G (p.Leu126Arg) variant has been reported in the published literature in heterozygous individuals with microcytosis and hypochromia (PMID: 23368878 (2013), 15921163 (2005)) and in a homozygous individual with more severe microcytosis, anemia, jaundice, and splenomegaly (PMID: 21077766 (2010)). In one family, this variant was shown to segregate with disease (PMID: 15921163 (2005)). Additionally, this variant has been associated with alpha thalassemia and decreased heme stability (HbVar). Analysis of this variant using bioinformatics tools for the prediction of the effect of amino acid changes on protein structure and function yielded predictions that this variant is damaging. Based on the available information, this variant is classified as pathogenic.

Fulgent Genetics
Classification: Likely pathogenic for Heinz body anemia; alpha Thalassemia; Hemoglobin H disease; Erythrocytosis, familial, 7. Last evaluated: 2024-05-29. Review status: criteria provided, single submitter. Criteria: ACMG Guidelines, 2015. Collection method: clinical testing. Allele origin: germline. Not counted in ClinVar's aggregate classification.

ARUP Laboratories, Molecular Genetics and Genomics, ARUP Laboratories
Classification: Pathogenic. Last evaluated: 2019-11-01. Review status: criteria provided, single submitter. Criteria: ARUP Molecular Germline Variant Investigation Process. Collection method: clinical testing. Allele origin: germline. Not counted in ClinVar's aggregate classification.
Comment: The Hb Plasencia variant (HBA2: c.377T>G; p.Leu126Arg, also known as Leu125Arg when numbered from the mature protein, rs41397847) is reported as a hyperunstable hemoglobin variant found heterozygously in individuals with moderate microcytosis and hypochromia, and homozygously in an individual with moderate anemia, jaundice and splenomegaly (Cunha 2013, Garcon 2010, Martin 2005, see HbVar link). This variant is reported in ClinVar (Variation ID: 15690). It is only observed on two alleles in the Genome Aggregation Database, indicating it is not a common polymorphism. The leucine at codon 126 is weakly conserved, but computational analyses (SIFT, PolyPhen-2) predict that this variant is deleterious. Other variants at this codon (Hb West-Einde, Hb Quong Sze) are reported in individuals with mild to moderate anemia, microcytosis and hypochroima (see HbVar links). Based on available information, the Hb Plasencia variant is considered to be pathogenic. REFERENCES Link to HbVar for Hb Plasencia: Link to HbVar for Hb Quong Sze: Link to HbVar for Hb West-Einde: Cunha E et al. Hb Plasencia (a125(H8)Leu?Arg (a2)) is a frequent cause of a+-thalassemia in the Portuguese population. Hemoglobin. 2013;37(2):183-7. Garcon L et al. A dyserythropoietic anemia associated with homozygous Hb Plasencia (a125(H8)Leu?Arg (a2)) (HBA2:c.377T>G), a variant with an unstable a chain. Hemoglobin. 2010;34(6):576-81. Martin G et al. A novel mutation of the alpha2-globin causing alpha(+)-thalassemia: Hb Plasencia (alpha125(H8)Leu--Arg (alpha2). Hemoglobin. 2005;29(2):113-7.

OMIM
Classification: other for HEMOGLOBIN PLASENCIA. Last evaluated: 2016-10-13. Review status: no assertion criteria provided. Collection method: literature only. Allele origin: germline. Not counted in ClinVar's aggregate classification.

Literature cited by the submitters: PubMed 21077766 (cited by Natera, Inc. and Quest Diagnostics Nichols Institute San Juan Capistrano); PubMed 15921163 (cited by 3 submitters); PubMed 20854117 (cited by 3billion); PubMed 23368878 (cited by Quest Diagnostics Nichols Institute San Juan Capistrano).

NM_000517.6(HBA2):c.377T>G (p.Leu126Arg)

Genes: HBA2 (hemoglobin subunit alpha 2; plus strand), LOC106804612 (hemoglobin subunit alpha 2 recombination region; plus strand). Cytogenetic location: 16p13.3.
Variant type: single nucleotide variant.
Coding change: c.377T>G on transcript NM_000517.6 (MANE Select); coding-DNA position 377, T replaced by G.
Protein change: p.Leu126Arg; replaces leucine 126 with arginine.
Molecular consequence: missense variant.
Genome position (GRCh38, 1-based): chr16:173,548, T>G. VCF-style: chr16-173548-T-G. GRCh37 (hg19) VCF-style: chr16-223547-T-G.
Other names: L125R; NM_000517.6(HBA2):c.377T>G; c.377T>G (NM_000517.5); short protein forms L126R.
Identifiers: ClinVar variation 15690 (VCV000015690.19), dbSNP rs41397847, ClinGen allele CA125658.
Genomic context (GRCh38, chr16:173,548, plus strand): 5'-TGCTGGTGACCCTGGCCGCCCACCTCCCCGCCGAGTTCACCCCTGCGGTGCACGCCTCCC[T>G]GGACAAGTTCCTGGCTTCTGTGAGCACCGTGCTGACCTCCAAATACCGTTAAGCTGGAGC-3'
Protein context (NP_000508.1, residues 116-136): AEFTPAVHAS[Leu126Arg]DKFLASVSTV